The following is an entry in ClinVar:

NM_182961.4(SYNE1):c.13567_13570del (p.Glu4523fs)

Gene: SYNE1 (spectrin repeat containing nuclear envelope protein 1; minus strand). Cytogenetic location: 6q25.2.
Variant type: Microsatellite.
Coding change: c.13567_13570del on transcript NM_182961.4 (MANE Select); coding-DNA positions 13567 to 13570, 4 bases deleted (GAAG; older notation c.13567_13570delGAAG).
Protein change: p.Glu4523fs; shifts the reading frame from glutamic acid 4523.
Molecular consequence: frameshift variant.
Genome position (GRCh38, 1-based): chr6:152,331,115-152,331,118, CTTC deleted on the plus strand (GAAG on the coding strand, the reverse complement: SYNE1 is on the minus strand); deleting any 4 consecutive bases within chr6:152,331,115-152,331,122 gives the same sequence; the c. name uses the placement nearest the transcript's 3' end. VCF-style (leftmost placement, unchanged base first): chr6-152331114-ACTTC-A. GRCh37 (hg19) VCF-style: chr6-152652249-ACTTC-A.
Other names: c.13354_13357del, p.Glu4452fs (NM_033071.5); short protein forms E4452fs, E4523fs.
Identifiers: ClinVar variation 3338093 (VCV003338093.1).

ClinVar aggregate classification (germline): Likely pathogenic (0 of 4 stars; one submission).

Conditions:
Autosomal recessive ataxia, Beauce type. Also called: SYNE1 Deficiency; Spinocerebellar ataxia, autosomal recessive 8; ATAXIA, RECESSIVE, OF BEAUCE; SYNE1-Related Autosomal Recessive Cerebellar Ataxia. Identifiers: Orphanet 88644, MedGen C1853116, MONDO:0012549, OMIM 610743.

Submission:

Solve-RD Consortium
Classification: Likely pathogenic for Autosomal recessive ataxia, Beauce type. Last evaluated: 2022-06-01. Review status: no assertion criteria provided. Collection method: provider interpretation. Allele origin: inherited. Affected: yes.
Comment: Variant confirmed as disease-causing by referring clinical team

Variant identified during reanalysis of unsolved cases by the Solve-RD project. The Solve-RD project has received funding from the European Union’s Horizon 2020 research and innovation programme under grant agreement No 779257.

Literature cited by the submitters: PubMed 39825153.